The following is an entry in ClinVar:

ClinVar aggregate classification (germline): Pathogenic/Likely pathogenic. Review status: criteria provided, multiple submitters, no conflicts (2 of 4 stars). 6 submissions from 6 submitters: Pathogenic (5); Likely pathogenic (1). Last evaluated 2025-08-11.

Conditions:
Hereditary spastic paraplegia. Also called: Familial spastic paraparesis. Identifiers: Orphanet 685, MedGen C0037773, MONDO:0019064. Disease mechanism: loss of function.
Hereditary spastic paraplegia 11. Also called: Nakamura Osame syndrome; Spastic paraplegia, mental retardation and thin corpus callosum; Autosomal recessive hereditary spastic paraplegia, mental impairment, and thin corpus callosum; Spastic Paraplegia 11; SPASTIC PARAPLEGIA, AUTOSOMAL RECESSIVE, COMPLICATED, WITH THIN CORPUS CALLOSUM; SPASTIC PARAPLEGIA, AUTOSOMAL RECESSIVE, WITH MENTAL IMPAIRMENT AND THIN CORPUS CALLOSUM. Identifiers: Orphanet 2822, MedGen C1858479, MONDO:0011445, OMIM 604360.
SPG11-related disorder. Also called: SPG11-related condition.

Allele frequency attached by ClinVar (database versions not stated): gnomAD exomes below 0.00001; TOPMed 0.00001.
gnomAD v4.1: 1 of 1,613,288 alleles (0.000062%); highest among the groups gnomAD compares: Non-Finnish European, 0.000085%; no homozygotes.

Submissions (6):

Labcorp Genetics (formerly Invitae), Labcorp
Classification: Pathogenic for Hereditary spastic paraplegia 11. Last evaluated: 2025-08-11. Review status: criteria provided, single submitter. Criteria: Invitae Variant Classification Sherloc (09022015). Collection method: clinical testing. Allele origin: germline.
Comment: This sequence change creates a premature translational stop signal (p.Leu1698*) in the SPG11 gene. It is expected to result in an absent or disrupted protein product. Loss-of-function variants in SPG11 are known to be pathogenic (PMID: 19105190, 20110243, 22154821, 26556829). This variant is not present in population databases (gnomAD no frequency). This premature translational stop signal has been observed in individual(s) with hereditary spastic paraplegia (PMID: 23733235). ClinVar contains an entry for this variant (Variation ID: 586642). For these reasons, this variant has been classified as Pathogenic.

Women's Health and Genetics/Laboratory Corporation of America, LabCorp
Classification: Pathogenic for Hereditary spastic paraplegia. Last evaluated: 2024-12-12. Review status: criteria provided, single submitter. Criteria: LabCorp Variant Classification Summary - May 2015. Collection method: clinical testing. Allele origin: germline.
Comment: Variant summary: SPG11 c.5093T>A (p.Leu1698X) results in a premature termination codon, predicted to cause a truncation of the encoded protein or absence of the protein due to nonsense mediated decay, which are commonly known mechanisms for disease. The variant was absent in 250590 control chromosomes. c.5093T>A has been reported in the literature in individuals affected with Hereditary Spastic Paraplegia, Type 11 (example: Yoon_2013). The following publication havs been ascertained in the context of this evaluation (PMID: 23733235). ClinVar contains an entry for this variant (Variation ID: 586642). Based on the evidence outlined above, the variant was classified as pathogenic.

Blueprint Genetics
Classification: Likely pathogenic for SPG11-related disorders. Last evaluated: 2022-08-02. Review status: criteria provided, single submitter. Criteria: ACMG Guidelines, 2015. Collection method: clinical testing. Allele origin: germline. Affected: yes. Observed: 1 variant allele.

Genome Diagnostics Laboratory, The Hospital for Sick Children
Classification: Pathogenic for Hereditary spastic paraplegia. Last evaluated: 2021-05-17. Review status: criteria provided, single submitter. Criteria: ACMG Guidelines, 2015. Collection method: clinical testing. Allele origin: germline. Affected: yes.

Athena Diagnostics
Classification: Pathogenic. Last evaluated: 2017-09-18. Review status: criteria provided, single submitter. Criteria: Athena Diagnostics Criteria. Collection method: clinical testing. Allele origin: germline.

Genome-Nilou Lab
Classification: Pathogenic for Hereditary spastic paraplegia 11. Review status: criteria provided, single submitter. Criteria: ACMG Guidelines, 2015. Collection method: clinical testing. Allele origin: germline.

Literature cited by the submitters: PubMed 19105190 (cited by Labcorp Genetics (formerly Invitae), Labcorp and Athena Diagnostics); PubMed 20110243 (cited by Labcorp Genetics (formerly Invitae), Labcorp); PubMed 22154821 (cited by Labcorp Genetics (formerly Invitae), Labcorp); PubMed 26556829 (cited by Labcorp Genetics (formerly Invitae), Labcorp); PubMed 23733235 (cited by 3 submitters).

NM_025137.4(SPG11):c.5093T>A (p.Leu1698Ter)

Gene: SPG11 (SPG11 vesicle trafficking associated, spatacsin; minus strand). Cytogenetic location: 15q21.1.
Variant type: single nucleotide variant.
Coding change: c.5093T>A on transcript NM_025137.4 (MANE Select); coding-DNA position 5093, T replaced by A.
Protein change: p.Leu1698Ter; replaces leucine 1698 with a stop codon.
Molecular consequence: nonsense.
Genome position (GRCh38, 1-based): chr15:44,585,664, A>T on the plus strand (T>A on the coding strand, the complement: SPG11 is on the minus strand). VCF-style: chr15-44585664-A-T. GRCh37 (hg19) VCF-style: chr15-44877862-A-T.
Other names: c.5093T>A, p.Leu1698Ter (NM_001160227.2); short protein forms L1698*.
Identifiers: ClinVar variation 586642 (VCV000586642.12), dbSNP rs1462607878, ClinGen allele CA392223328.
Genomic context (GRCh38, chr15:44,585,664, plus strand): 5'-AAAAAAAAAAAAAAAAAAAAGACCGATGATACCTCTTTAATAACCAAGTTGTCCACAGGT[A>T]ACTCAGCTAATTCTGCTACCCTCCTGGCCAAAGCGAATTGTCCATCTGTCTGCAGTCTTT-3'